The following is an entry in ClinVar:

ClinVar aggregate classification (germline): Pathogenic/Likely pathogenic. Review status: criteria provided, multiple submitters, no conflicts (2 of 4 stars). 2 submissions from 2 submitters: Pathogenic (1); Likely pathogenic (1). Last evaluated 2023-11-13.

Conditions:
Pontocerebellar hypoplasia type 6 (PCH6). Identifiers: Orphanet 166073, MedGen C1969084, MONDO:0012683, OMIM 611523.

Submissions (2):

Labcorp Genetics (formerly Invitae), Labcorp
Classification: Pathogenic. Last evaluated: 2023-11-13. Review status: criteria provided, single submitter. Criteria: Invitae Variant Classification Sherloc (09022015). Collection method: clinical testing. Allele origin: germline.
Comment: This sequence change creates a premature translational stop signal (p.Leu24Ilefs*15) in the RARS2 gene. It is expected to result in an absent or disrupted protein product. Loss-of-function variants in RARS2 are known to be pathogenic (PMID: 17847012, 22569581, 26083569). This variant is not present in population databases (gnomAD no frequency). This variant has not been reported in the literature in individuals affected with RARS2-related conditions. For these reasons, this variant has been classified as Pathogenic.

Baylor Genetics
Classification: Likely pathogenic for Pontocerebellar hypoplasia type 6. Last evaluated: 2023-08-30. Review status: criteria provided, single submitter. Criteria: ACMG Guidelines, 2015. Collection method: clinical testing. Allele origin: unknown.

Literature cited by the submitters: PubMed 17847012 (cited by Labcorp Genetics (formerly Invitae), Labcorp); PubMed 22569581 (cited by Labcorp Genetics (formerly Invitae), Labcorp); PubMed 26083569 (cited by Labcorp Genetics (formerly Invitae), Labcorp).

NM_020320.5(RARS2):c.70_77del (p.Leu24fs)

Gene: RARS2 (arginyl-tRNA synthetase 2, mitochondrial; minus strand). Cytogenetic location: 6q15.
Variant type: Deletion.
Coding change: c.70_77del on transcript NM_020320.5 (MANE Select); coding-DNA positions 70 to 77, 8 bases deleted (TTGATCAC; older notation c.70_77delTTGATCAC).
Protein change: p.Leu24fs; shifts the reading frame from leucine 24.
Molecular consequence: frameshift variant. On other transcripts: 5 prime UTR variant (6), non-coding transcript variant (21), intron variant (1).
Genome position (GRCh38, 1-based): chr6:87,569,550-87,569,557, GTGATCAA deleted on the plus strand (TTGATCAC on the coding strand, the reverse complement: RARS2 is on the minus strand); deleting any 8 consecutive bases within chr6:87,569,550-87,569,559 gives the same sequence; the c. name uses the placement nearest the transcript's 3' end. VCF-style (leftmost placement, unchanged base first): chr6-87569549-TGTGATCAA-T. GRCh37 (hg19) VCF-style: chr6-88279267-TGTGATCAA-T.
Other names: c.-400_-393del (NM_001318785.2); c.70_77del, p.Leu24fs (NM_001350505.2); c.-456_-449del (NM_001350506.2, NM_001350507.2, NM_001350510.2); c.-618_-611del (NM_001350508.2); c.-575_-568del (NM_001350511.2); c.-359-5325_-359-5318del (NM_001350509.2); short protein forms L24fs.
Identifiers: ClinVar variation 2678246 (VCV002678246.4), dbSNP rs2485060165, ClinGen allele CA2679625032.